The following is an entry in ClinVar:

ClinVar aggregate classification (germline): Uncertain significance. Review status: criteria provided, single submitter (1 of 4 stars). 2 submissions from 1 submitter: Uncertain significance (2).

Conditions:
Maturity-onset diabetes of the young (MODY). Also called: Maturity onset diabetes mellitus in young. Identifiers: Orphanet 552, MedGen C0342276, MONDO:0018911, HP:0004904.
Transitory neonatal diabetes mellitus. Also called: Transient neonatal diabetes mellitus. Identifiers: MedGen C0342273, MONDO:0020525, HP:0008255.

Allele frequency attached by ClinVar (database versions not stated): gnomAD exomes below 0.00001; TOPMed below 0.00001.
gnomAD v4.1: 1 of 1,613,968 alleles (0.000062%); highest among the groups gnomAD compares: East Asian, 0.0022%; no homozygotes.

Submissions (2):

Clinical Genomics, Uppaluri K&H Personalized Medicine Clinic
Classification: Uncertain significance for Transitory neonatal diabetes mellitus. Review status: criteria provided, single submitter. Criteria: K & H Uppaluri Personalized Medicine Clinic Variant Classification & Assertion Criteria_Updated V.1. Collection method: research. Allele origin: somatic. Inheritance: Somatic mutation.
Comment: Mutations in ABCC8 gene are associated with both neonatal diabetes mellitus as well as MODY. Patients with this mutation may have a better response to sulfonylureas. However, no sufficient evidence is found to ascertain the role of this particular variant (rs1159625966) in neonatal diabetes yet.

Clinical Genomics, Uppaluri K&H Personalized Medicine Clinic
Classification: Uncertain significance for Maturity-onset diabetes of the young. Review status: criteria provided, single submitter. Criteria: K & H Uppaluri Personalized Medicine Clinic Variant Classification & Assertion Criteria_Updated V.1. Collection method: research. Allele origin: unknown. Inheritance: Somatic mutation.
Comment: Mutations in ABCC8 gene are associated with both neonatal diabetes mellitus as well as MODY. Patients with this mutation may have a better response to sulfonylureas. However, no sufficient evidence is found to ascertain the role of this particular variant (rs1159625966) in MODY yet.

Literature cited by the submitters: PubMed 16885549; PubMed 27538677; PubMed 21989597; PubMed 18981553; PubMed 16613899; PubMed 32027066; PubMed 18025408; PubMed 32792356.

NM_000352.6(ABCC8):c.2057T>A (p.Phe686Tyr)

Gene: ABCC8 (ATP binding cassette subfamily C member 8; minus strand). Cytogenetic location: 11p15.1.
Variant type: single nucleotide variant.
Coding change: c.2057T>A on transcript NM_000352.6 (MANE Select); coding-DNA position 2057, T replaced by A.
Protein change: p.Phe686Tyr; replaces phenylalanine 686 with tyrosine.
Molecular consequence: missense variant. On other transcripts: non-coding transcript variant (1).
Genome position (GRCh38, 1-based): chr11:17,427,926, A>T on the plus strand (T>A on the coding strand, the complement: ABCC8 is on the minus strand). VCF-style: chr11-17427926-A-T. GRCh37 (hg19) VCF-style: chr11-17449473-A-T.
Other names: c.2057T>A, p.Phe686Tyr (NM_001287174.3); c.2123T>A, p.Phe708Tyr (NM_001351295.2); c.2054T>A, p.Phe685Tyr (NM_001351296.2, NM_001351297.2); short protein forms F685Y, F686Y, F708Y.
Identifiers: ClinVar variation 1690299 (VCV001690299.1), dbSNP rs1159625966, ClinGen allele CA379814916.